The following is an entry in ClinVar:

NM_006565.4(CTCF):c.1343G>A (p.Arg448Gln)

Gene: CTCF (CCCTC-binding factor; plus strand). Cytogenetic location: 16q22.1.
Variant type: single nucleotide variant.
Coding change: c.1343G>A on transcript NM_006565.4 (MANE Select); coding-DNA position 1343, G replaced by A.
Protein change: p.Arg448Gln; replaces arginine 448 with glutamine.
Molecular consequence: missense variant.
Genome position (GRCh38, 1-based): chr16:67,621,577, G>A. VCF-style: chr16-67621577-G-A. GRCh37 (hg19) VCF-style: chr16-67655480-G-A.
Other names: c.359G>A, p.Arg120Gln (NM_001191022.2); c.1343G>A, p.Arg448Gln (NM_001363916.2); short protein forms R120Q, R448Q.
Identifiers: ClinVar variation 1203833 (VCV001203833.41), dbSNP rs2142849782, ClinGen allele CA396316242.
Genomic context (GRCh38, chr16:67,621,577, plus strand): 5'-AGAAGCACACAGAAAATGTGGCCAAATTTCACTGTCCCCACTGTGACACAGTCATAGCCC[G>A]AAAAAGTGATTTGGGTAAGTAGATTAACTAGTGAGAAGTGAAAAAAATATTTTGAAGGAT-3'
Protein context (NP_006556.1, residues 438-458): HCPHCDTVIA[Arg448Gln]KSDLGVHLRK

ClinVar aggregate classification (germline): Pathogenic. Review status: criteria provided, multiple submitters, no conflicts (2 of 4 stars). 5 submissions from 5 submitters: Pathogenic (4). 1 of the submissions does not count toward it. Last evaluated 2025-12-16.

Conditions:
CTCF-related disorder. Also called: CTCF-related condition. Identifiers: MedGen CN381101.
CTCF-related neurodevelopmental disorder. Also called: Intellectual disability-feeding difficulties-developmental delay-microcephaly syndrome; INTELLECTUAL DEVELOPMENTAL DISORDER, AUTOSOMAL DOMINANT 21. Identifiers: Orphanet 363611, MedGen C3809686, MONDO:0014213, OMIM 615502.
Multiple congenital anomalies/dysmorphic syndrome-intellectual disability. Identifiers: Orphanet 102283, MedGen C5680372, MONDO:0015159.

Allele frequency attached by ClinVar (database versions not stated): gnomAD exomes below 0.00001.
gnomAD v4.1: 3 of 1,602,854 alleles (0.00019%); highest among the groups gnomAD compares: Non-Finnish European, 0.00026%; no homozygotes.

Submissions (5):

GeneDx
Classification: Pathogenic. Last evaluated: 2025-12-16. Review status: criteria provided, single submitter. Criteria: GeneDx Variant Classification Process June 2021. Collection method: clinical testing. Allele origin: germline. Affected: yes.
Comment: Not observed in large population cohorts (gnomAD); In silico analysis supports that this missense variant has a deleterious effect on protein structure/function; This variant is associated with the following publications: (PMID: 33057194, 36454652, 37010288, 35982159, 16949368, 11782357, 21896759, 31239556, 31785789)

AURAGEN, Plan France Médecine Génomique
Classification: Pathogenic for Multiple congenital anomalies/dysmorphic syndrome-intellectual disability. Last evaluated: 2022-07-05. Review status: criteria provided, single submitter. Criteria: PFMG2025 (Lancet Reg Health Eur. 2025). Collection method: clinical testing. Allele origin: germline. Affected: yes.

CeGaT Center for Human Genetics Tuebingen
Classification: Pathogenic. Last evaluated: 2021-12-01. Review status: criteria provided, single submitter. Criteria: CeGaT Center For Human Genetics Tuebingen Variant Classification Criteria Version 2. Collection method: clinical testing. Allele origin: germline. Affected: yes. Observed: 1 variant allele.

Institute of Human Genetics, University of Leipzig Medical Center
Classification: Pathogenic for CTCF-related neurodevelopmental disorder. Last evaluated: 2019-12-21. Review status: criteria provided, single submitter. Criteria: ACMG Guidelines, 2015. Collection method: research. Allele origin: de novo.

PreventionGenetics, part of Exact Sciences
Classification: Pathogenic for CTCF-related condition. Last evaluated: 2024-08-09. Review status: no assertion criteria provided. Collection method: clinical testing. Allele origin: germline. Not counted in ClinVar's aggregate classification.
Comment: The CTCF c.1343G>A variant is predicted to result in the amino acid substitution p.Arg448Gln. This variant has been reported as a recurrent de novo variant in individuals with neurodevelopmental disorders (Konrad et al 2019. PubMed ID: 31239556; Turner et al 2019. PubMed ID: 31785789; Kaplanis et al 2020. PubMed ID: 33057194; Zhou et al 2022. PubMed ID: 35982159; Wilson et al 2023. PubMed ID: 37010288). This variant has not been reported in a large population database, indicating this variant is rare. This variant is interpreted as pathogenic.

Literature cited by the submitters: PubMed 31239556 (cited by Institute of Human Genetics, University of Leipzig Medical Center).